The following is an entry in ClinVar:

NM_001201543.2(FAM161A):c.1525_1530delinsCCCG (p.Cys509fs)

Gene: FAM161A (FAM161 centrosomal protein A; minus strand). Cytogenetic location: 2p15.
Variant type: Indel.
Coding change: c.1525_1530delinsCCCG on transcript NM_001201543.2 (MANE Select); coding-DNA positions 1525 to 1530, TGTAAC replaced by CCCG.
Protein change: p.Cys509fs; shifts the reading frame from cysteine 509.
Molecular consequence: frameshift variant. On other transcripts: non-coding transcript variant (1).
Genome position (GRCh38, 1-based): chr2:61,839,474-61,839,479, GTTACA replaced by CGGG on the plus strand (TGTAAC replaced by CCCG on the coding strand, the reverse complement: FAM161A is on the minus strand). VCF-style: chr2-61839474-GTTACA-CGGG. GRCh37 (hg19) VCF-style: chr2-62066609-GTTACA-CGGG.
Other names: c.1525_1530delinsCCCG (NM_001201543.1); c.1525_1530delinsCCCG, p.Cys509fs (NM_032180.3); short protein forms C509fs.
Identifiers: ClinVar variation 2675382 (VCV002675382.2), dbSNP rs2466022357, ClinGen allele CA2695200796.

ClinVar aggregate classification (germline): Pathogenic/Likely pathogenic. Review status: criteria provided, multiple submitters, no conflicts (2 of 4 stars). 2 submissions from 2 submitters: Pathogenic (1); Likely pathogenic (1). Last evaluated 2025-04-03.

Conditions:
Retinitis pigmentosa 28 (RP28). Identifiers: Orphanet 791, MedGen C1419614, MONDO:0011630, OMIM 606068.

Submissions (2):

Myriad Genetics, Inc.
Classification: Pathogenic for Retinitis pigmentosa 28. Last evaluated: 2025-04-03. Review status: criteria provided, single submitter. Criteria: Myriad Autosomal Dominant, Autosomal Recessive and X-Linked Classification Criteria (2023). Collection method: clinical testing. Allele origin: unknown.
Comment: NM_001201543.1(FAM161A):c.1525_1530del6ins4(C509Pfs*23) is a frameshift variant classified as pathogenic in the context of retinitis pigmentosa, FAM161A-related. C509Pfs*23 has not been observed in cases with relevant disease. Relevant functional assessments of this variant are not available in the literature. C509Pfs*23 has not been observed in referenced population frequency databases. In summary, NM_001201543.1(FAM161A):c.1525_1530del6ins4(C509Pfs*23) is a frameshift variant in a gene where loss of function is a known mechanism of disease and is predicted to disrupt protein function. Please note: this variant was assessed in the context of healthy population screening.

Baylor Genetics
Classification: Likely pathogenic for Retinitis pigmentosa 28. Last evaluated: 2023-04-06. Review status: criteria provided, single submitter. Criteria: ACMG Guidelines, 2015. Collection method: clinical testing. Allele origin: unknown.